The following is an entry in ClinVar:

ClinVar aggregate classification (germline): Uncertain significance. Review status: criteria provided, multiple submitters, no conflicts (2 of 4 stars). 3 submissions from 3 submitters: Uncertain significance (3). Last evaluated 2024-05-30.

Conditions:
Donnai-Barrow syndrome. Also called: DBS/FOAR SYNDROME; FACIOOCULOACOUSTICORENAL SYNDROME. Identifiers: Orphanet 2143, MedGen C1857277, MONDO:0009104, OMIM 222448.

Allele frequency attached by ClinVar (database versions not stated): gnomAD exomes below 0.00001 and 0.00001; TOPMed 0.00002; gnomAD 0.00004.
gnomAD v4.1: 14 of 1,613,642 alleles (0.00087%); highest among the groups gnomAD compares: African/African-American, 0.008%; no homozygotes.

Submissions (3):

Fulgent Genetics
Classification: Uncertain significance for Donnai-Barrow syndrome. Last evaluated: 2024-05-30. Review status: criteria provided, single submitter. Criteria: ACMG Guidelines, 2015. Collection method: clinical testing. Allele origin: germline.

Blueprint Genetics
Classification: Uncertain significance. Last evaluated: 2022-08-26. Review status: criteria provided, single submitter. Criteria: ACMG Guidelines, 2015. Collection method: clinical testing. Allele origin: germline.

Labcorp Genetics (formerly Invitae), Labcorp
Classification: Uncertain significance. Last evaluated: 2022-02-02. Review status: criteria provided, single submitter. Criteria: Invitae Variant Classification Sherloc (09022015). Collection method: clinical testing. Allele origin: germline.
Comment: This sequence change replaces arginine, which is basic and polar, with cysteine, which is neutral and slightly polar, at codon 2217 of the LRP2 protein (p.Arg2217Cys). This variant is present in population databases (no rsID available, gnomAD 0.004%). This variant has not been reported in the literature in individuals affected with LRP2-related conditions. ClinVar contains an entry for this variant (Variation ID: 1026505). Advanced modeling of protein sequence and biophysical properties (such as structural, functional, and spatial information, amino acid conservation, physicochemical variation, residue mobility, and thermodynamic stability) performed at Invitae indicates that this missense variant is expected to disrupt LRP2 protein function. In summary, the available evidence is currently insufficient to determine the role of this variant in disease. Therefore, it has been classified as a Variant of Uncertain Significance.

NM_004525.3(LRP2):c.6649C>T (p.Arg2217Cys)

Gene: LRP2 (LDL receptor related protein 2; minus strand). Cytogenetic location: 2q31.1.
Variant type: single nucleotide variant.
Coding change: c.6649C>T on transcript NM_004525.3 (MANE Select); coding-DNA position 6649, C replaced by T.
Protein change: p.Arg2217Cys; replaces arginine 2217 with cysteine.
Molecular consequence: missense variant.
Genome position (GRCh38, 1-based): chr2:169,207,071, G>A on the plus strand (C>T on the coding strand, the complement: LRP2 is on the minus strand). VCF-style: chr2-169207071-G-A. GRCh37 (hg19) VCF-style: chr2-170063581-G-A.
Other names: short protein forms R2217C.
Identifiers: ClinVar variation 1026505 (VCV001026505.9), dbSNP rs914080135, ClinGen allele CA59934411.